The following is an entry in ClinVar:

NC_000006.11:g.(?_51619713)_(51620576_?)del

Gene: PKHD1 (PKHD1 ciliary IPT domain containing fibrocystin/polyductin; minus strand). Cytogenetic location: 6p12.3.
Variant type: Deletion.
Identifiers: ClinVar variation 3245969 (VCV003245969.1).

ClinVar aggregate classification (germline): Pathogenic (1 of 4 stars; one submission).

Conditions:
Autosomal recessive polycystic kidney disease (ARPKD). Also called: AR polycystic kidney disease. Identifiers: Orphanet 731, Orphanet 8378, MedGen C0085548, MeSH D017044, MONDO:0009889.

Submission:

Labcorp Genetics (formerly Invitae), Labcorp
Classification: Pathogenic for Autosomal recessive polycystic kidney disease. Last evaluated: 2023-04-12. Review status: criteria provided, single submitter. Criteria: Invitae Variant Classification Sherloc (09022015). Collection method: clinical testing. Allele origin: unknown.
Comment: For these reasons, this variant has been classified as Pathogenic. This variant disrupts a region of the PKHD1 protein in which other variant(s) (p.Val2884del) have been determined to be pathogenic (PMID: 15698423; Invitae). This suggests that this is a clinically significant region of the protein, and that variants that disrupt it are likely to be disease-causing. This variant has not been reported in the literature in individuals affected with PKHD1-related conditions. This variant results in the deletion of part of exon 56 (c.8643-840_8666del) of the PKHD1 gene. It is expected to disrupt RNA splicing. Variants that disrupt the donor or acceptor splice site typically lead to a loss of protein function (PMID: 16199547), and loss-of-function variants in PKHD1 are known to be pathogenic (PMID: 19940839).

Literature cited by the submitters: PubMed 15698423; PubMed 16199547; PubMed 19940839.